The following is an entry in ClinVar:

ClinVar aggregate classification (germline): Benign/Likely benign. Review status: criteria provided, multiple submitters, no conflicts (2 of 4 stars). 5 submissions from 5 submitters: Benign (2); Likely benign (2). 1 of the submissions does not count toward it. Last evaluated 2025-10-02.

Conditions:
ADCY1-related disorder. Also called: ADCY1-related condition.

Allele frequency attached by ClinVar (database versions not stated): gnomAD exomes 0.00030 and 0.00043; ExAC 0.00053; gnomAD 0.00137 and 0.00138; TOPMed 0.00158; ESP Exome Variant Server 0.00169; 1000 Genomes Project 0.00200; 1000 Genomes Project 30x 0.00203.
gnomAD v4.1: 661 of 1,591,758 alleles (0.042%); highest among the groups gnomAD compares: African/African-American, 0.48%; 4 homozygotes.

Submissions (5):

Labcorp Genetics (formerly Invitae), Labcorp
Classification: Benign. Last evaluated: 2025-10-02. Review status: criteria provided, single submitter. Criteria: Invitae Variant Classification Sherloc (09022015). Collection method: clinical testing. Allele origin: germline.

Blueprint Genetics
Classification: Likely benign. Last evaluated: 2024-10-10. Review status: criteria provided, single submitter. Criteria: ACMG Guidelines, 2015. Collection method: clinical testing. Allele origin: germline.

Laboratory for Molecular Medicine, Mass General Brigham Personalized Medicine
Classification: Benign. Last evaluated: 2017-08-23. Review status: criteria provided, single submitter. Criteria: LMM Criteria. Collection method: clinical testing. Allele origin: germline. Observed: 1 variant allele.
Comment: p.Asn898Asn in exon 16 of ADCY1: This variant is not expected to have clinical s ignificance because it does not alter an amino acid residue, is not located with in the splice consensus sequence, and has been identified in 0.49% (50/10278) of African chromosomes by the Exome Aggregation Consortium (ExAC; dbSNP rs61735492).

Eurofins Ntd Llc (ga)
Classification: Likely benign. Last evaluated: 2017-07-28. Review status: criteria provided, single submitter. Criteria: EGL Classification Definitions 2015. Collection method: clinical testing. Allele origin: germline. Observed: 1 variant allele, 1 heterozygote.

PreventionGenetics, part of Exact Sciences
Classification: Likely benign for ADCY1-related condition. Last evaluated: 2019-04-30. Review status: no assertion criteria provided. Collection method: clinical testing. Allele origin: germline. Not counted in ClinVar's aggregate classification.
Comment: This variant is classified as likely benign based on ACMG/AMP sequence variant interpretation guidelines (Richards et al. 2015 PMID: 25741868, with internal and published modifications).

NM_021116.4(ADCY1):c.2694C>T (p.Asn898=)

Gene: ADCY1 (adenylate cyclase 1; plus strand). Cytogenetic location: 7p12.3.
Variant type: single nucleotide variant.
Coding change: c.2694C>T on transcript NM_021116.4 (MANE Select); coding-DNA position 2694, C replaced by T.
Protein change: p.Asn898=; no amino-acid change (asparagine 898 retained).
Molecular consequence: synonymous variant.
Genome position (GRCh38, 1-based): chr7:45,703,722, C>T. VCF-style: chr7-45703722-C-T. GRCh37 (hg19) VCF-style: chr7-45743321-C-T.
Identifiers: ClinVar variation 593387 (VCV000593387.19), dbSNP rs61735492, ClinGen allele CA4249310.